The following is an entry in ClinVar:

NM_001172509.2(SATB2):c.356A>G (p.Lys119Arg)

Gene: SATB2 (SATB homeobox 2; minus strand). Cytogenetic location: 2q33.1.
Variant type: single nucleotide variant.
Coding change: c.356A>G on transcript NM_001172509.2 (MANE Select); coding-DNA position 356, A replaced by G.
Protein change: p.Lys119Arg; replaces lysine 119 with arginine.
Molecular consequence: missense variant.
Genome position (GRCh38, 1-based): chr2:199,381,811, T>C on the plus strand (A>G on the coding strand, the complement: SATB2 is on the minus strand). VCF-style: chr2-199381811-T-C. GRCh37 (hg19) VCF-style: chr2-200246534-T-C.
Other names: c.356A>G, p.Lys119Arg (NM_001172517.1, NM_015265.4); short protein forms K119R.
Identifiers: ClinVar variation 3373713 (VCV003373713.1).

ClinVar aggregate classification (germline): Uncertain significance (1 of 4 stars; one submission).

Submission:

GeneDx
Classification: Uncertain significance. Last evaluated: 2024-03-08. Review status: criteria provided, single submitter. Criteria: GeneDx Variant Classification Process June 2021. Collection method: clinical testing. Allele origin: germline. Affected: yes.
Comment: Not observed at significant frequency in large population cohorts (gnomAD); In silico analysis supports that this missense variant does not alter protein structure/function; Has not been previously published as pathogenic or benign to our knowledge